The following is an entry in ClinVar:

NM_001128431.4(SLC39A14):c.337G>C (p.Glu113Gln)

Gene: SLC39A14 (solute carrier family 39 member 14; plus strand). Cytogenetic location: 8p21.3.
Variant type: single nucleotide variant.
Coding change: c.337G>C on transcript NM_001128431.4 (MANE Select); coding-DNA position 337, G replaced by C.
Protein change: p.Glu113Gln; replaces glutamic acid 113 with glutamine.
Molecular consequence: missense variant.
Genome position (GRCh38, 1-based): chr8:22,408,376, G>C. VCF-style: chr8-22408376-G-C. GRCh37 (hg19) VCF-style: chr8-22265889-G-C.
Other names: c.337G>C, p.Glu113Gln (NM_001135153.3, NM_001135154.3, NM_001351655.2 and 3 more transcripts); c.367G>C, p.Glu123Gln (NM_001351657.2, NM_001351658.2, NM_001351659.2); short protein forms E113Q, E123Q.
Identifiers: ClinVar variation 4875007 (VCV004875007.2).
Genomic context (GRCh38, chr8:22,408,376, plus strand): 5'-AGTTCTGGAGACCTCTTCACTGCCCACAATTTCAGCGAGCAGTCGCGGATTGGGAGCAGC[G>C]AGCTCCAGGAGTTCTGCCCCACCATCCTCCAGCAGCTGGATTCCCGGGCCTGCACCTCGG-3'
Protein context (NP_001121903.1, residues 103-123): FSEQSRIGSS[Glu113Gln]LQEFCPTILQ

ClinVar aggregate classification (germline): Uncertain significance (1 of 4 stars; one submission).

gnomAD v4.1: 9 of 1,614,144 alleles (0.00056%); highest among the groups gnomAD compares: East Asian, 0.02%; no homozygotes.

Submission:

CeGaT Center for Human Genetics Tuebingen
Classification: Uncertain significance. Last evaluated: 2026-05-01. Review status: criteria provided, single submitter. Criteria: CeGaT Center For Human Genetics Tuebingen Variant Classification Criteria Version 2. Collection method: clinical testing. Allele origin: germline. Affected: yes. Observed: 1 variant allele.
Comment: SLC39A14: PM2, BP4